The following is an entry in ClinVar:

ClinVar aggregate classification (germline): Likely pathogenic (1 of 4 stars; one submission).

Conditions:
Neonatal-onset encephalopathy with rigidity and seizures. Also called: Lethal neonatal spasticity-epileptic encephalopathy syndrome. Identifiers: Orphanet 435845, MedGen C3281029, MONDO:0013784, OMIM 614498.

Submission:

Labcorp Genetics (formerly Invitae), Labcorp
Classification: Likely pathogenic for Neonatal-onset encephalopathy with rigidity and seizures. Last evaluated: 2023-10-18. Review status: criteria provided, single submitter. Criteria: Invitae Variant Classification Sherloc (09022015). Collection method: clinical testing. Allele origin: germline.
Comment: This sequence change affects an acceptor splice site in intron 7 of the BRAT1 gene. It is expected to disrupt RNA splicing. Variants that disrupt the donor or acceptor splice site typically lead to a loss of protein function (PMID: 16199547), and loss-of-function variants in BRAT1 are known to be pathogenic (PMID: 22279524, 25500575). This variant is not present in population databases (gnomAD no frequency). This variant has not been reported in the literature in individuals affected with BRAT1-related conditions. Algorithms developed to predict the effect of sequence changes on RNA splicing suggest that this variant may disrupt the consensus splice site. In summary, the currently available evidence indicates that the variant is pathogenic, but additional data are needed to prove that conclusively. Therefore, this variant has been classified as Likely Pathogenic.

Literature cited by the submitters: PubMed 16199547; PubMed 22279524; PubMed 25500575.

NM_152743.4(BRAT1):c.1016-1G>C

Gene: BRAT1 (BRCA1 associated ATM activator 1; minus strand). Cytogenetic location: 7p22.3.
Variant type: single nucleotide variant.
Coding change: c.1016-1G>C on transcript NM_152743.4 (MANE Select); the canonical splice acceptor site of the intron before coding-DNA position 1016, G replaced by C.
Molecular consequence: splice acceptor variant.
Genome position (GRCh38, 1-based): chr7:2,541,837, C>G on the plus strand (G>C on the coding strand, the complement: BRAT1 is on the minus strand). VCF-style: chr7-2541837-C-G. GRCh37 (hg19) VCF-style: chr7-2581471-C-G.
Other names: c.491-1G>C (NM_001350627.2); c.1016-1G>C (NM_001350626.2).
Identifiers: ClinVar variation 2846716 (VCV002846716.3), dbSNP rs2534355921, ClinGen allele CA366630075.
Genomic context (GRCh38, chr7:2,541,837, plus strand): 5'-ACTTGGAGGCCAGGAGTGTGTCCACCGTCGTGGCATCGTCTGCCGTCCCGTCCAGCAAGC[C>G]TGGGGGCCAAGCCAGGAAGAGCTCCCTTAGAGAGCACTTCAGCCTCCCCACGGTCACCAG-3'